The following is an entry in ClinVar:

ClinVar aggregate classification (germline): Likely pathogenic (1 of 4 stars; one submission).

Conditions:
Acyl-CoA oxidase deficiency. Also called: STRAIGHT-CHAIN ACYL-CoA OXIDASE DEFICIENCY; Pseudoneonatal adrenoleukodystrophy; Peroxisomal acyl-CoA oxidase deficiency. Identifiers: Orphanet 2971, MedGen C1849678, MONDO:0009919, OMIM 264470. Disease mechanism: loss of function.

Allele frequency attached by ClinVar (database versions not stated): gnomAD exomes below 0.00001; TOPMed below 0.00001; ExAC 0.00001; gnomAD 0.00001.

Submission:

Labcorp Genetics (formerly Invitae), Labcorp
Classification: Likely pathogenic for Acyl-CoA oxidase deficiency. Last evaluated: 2019-09-01. Review status: criteria provided, single submitter. Criteria: Invitae Variant Classification Sherloc (09022015). Collection method: clinical testing. Allele origin: germline.
Comment: In summary, the currently available evidence indicates that the variant is pathogenic, but additional data are needed to prove that conclusively. Therefore, this variant has been classified as Likely Pathogenic. Donor and acceptor splice site variants typically lead to a loss of protein function (PMID: 16199547), and loss-of-function variants in ACOX1 are known to be pathogenic (PMID: 8040306, 17458872). Algorithms developed to predict the effect of sequence changes on RNA splicing suggest that this variant may disrupt the consensus splice site, but this prediction has not been confirmed by published transcriptional studies. This variant has not been reported in the literature in individuals with ACOX1-related conditions. This variant is present in population databases (rs779732414, ExAC 0.001%). This sequence change affects a donor splice site in intron 5 of the ACOX1 gene. It is expected to disrupt RNA splicing and likely results in an absent or disrupted protein product.

Literature cited by the submitters: PubMed 16199547; PubMed 8040306; PubMed 17458872.

NM_004035.7(ACOX1):c.658+1G>T

Gene: ACOX1 (acyl-CoA oxidase 1; minus strand). Cytogenetic location: 17q25.1.
Variant type: single nucleotide variant.
Coding change: c.658+1G>T on transcript NM_004035.7 (MANE Select); the canonical splice donor site of the intron after coding-DNA position 658, G replaced by T.
Molecular consequence: splice donor variant.
Genome position (GRCh38, 1-based): chr17:75,955,827, C>A on the plus strand (G>T on the coding strand, the complement: ACOX1 is on the minus strand). VCF-style: chr17-75955827-C-A. GRCh37 (hg19) VCF-style: chr17-73951908-C-A.
Other names: c.658+1G>T (NM_007292.6); c.544+1G>T (NM_001185039.2).
Identifiers: ClinVar variation 941017 (VCV000941017.8), dbSNP rs779732414, ClinGen allele CA8776963.